The following is an entry in ClinVar:

ClinVar aggregate classification (germline): Uncertain significance (1 of 4 stars; one submission).

Conditions:
Atrial fibrillation, familial, 7 (ATFB7). Identifiers: MedGen C2677106, MONDO:0012828, OMIM 612240.

Submission:

Labcorp Genetics (formerly Invitae), Labcorp
Classification: Uncertain significance for Atrial fibrillation, familial, 7. Last evaluated: 2024-11-05. Review status: criteria provided, single submitter. Criteria: Invitae Variant Classification Sherloc (09022015). Collection method: clinical testing. Allele origin: germline.
Comment: This sequence change replaces valine, which is neutral and non-polar, with leucine, which is neutral and non-polar, at codon 552 of the KCNA5 protein (p.Val552Leu). This variant is not present in population databases (gnomAD no frequency). This variant has not been reported in the literature in individuals affected with KCNA5-related conditions. An algorithm developed to predict the effect of missense changes on protein structure and function (PolyPhen-2) suggests that this variant is likely to be tolerated. In summary, the available evidence is currently insufficient to determine the role of this variant in disease. Therefore, it has been classified as a Variant of Uncertain Significance.

NM_002234.4(KCNA5):c.1654G>C (p.Val552Leu)

Gene: KCNA5 (potassium voltage-gated channel subfamily A member 5; plus strand). Cytogenetic location: 12p13.32.
Variant type: single nucleotide variant.
Coding change: c.1654G>C on transcript NM_002234.4 (MANE Select); coding-DNA position 1654, G replaced by C.
Protein change: p.Val552Leu; replaces valine 552 with leucine.
Molecular consequence: missense variant.
Genome position (GRCh38, 1-based): chr12:5,045,801, G>C. VCF-style: chr12-5045801-G-C. GRCh37 (hg19) VCF-style: chr12-5154967-G-C.
Other names: short protein forms V552L.
Identifiers: ClinVar variation 3610149 (VCV003610149.2).